The following is an entry in ClinVar:

ClinVar aggregate classification (germline): Benign. Review status: criteria provided, multiple submitters, no conflicts (2 of 4 stars). 6 submissions from 2 submitters: Benign (6). Last evaluated 2018-01-13.

Conditions:
Beare-Stevenson cutis gyrata syndrome (BSTVS). Identifiers: Orphanet 1555, MedGen C1852406, MONDO:0007412, OMIM 123790.
Saethre-Chotzen syndrome (SCS). Also called: ACROCEPHALY, SKULL ASYMMETRY, AND MILD SYNDACTYLY; ACS III; CHOTZEN SYNDROME. Identifiers: Orphanet 794, MedGen C0175699, MONDO:0007042, OMIM 101400.
Isolated Coronal Synostosis. Identifiers: MedGen CN043619.
Crouzon syndrome. Also called: CRANIOFACIAL DYSOSTOSIS, TYPE I; Craniofacial dysostosis; Craniofacial dysostosis type 1; Crouzon craniofacial dysostosis; Crouzon disease. Identifiers: Orphanet 207, MedGen C0010273, MeSH D003394, MONDO:0007405, OMIM 123500, HP:0004439.
Craniosynostosis syndrome. Also called: Craniosynostosis. Identifiers: Orphanet 1531, MedGen C0010278, MeSH D003398, MONDO:0015469, HP:0001363.

Allele frequency attached by ClinVar (database versions not stated): 1000 Genomes Project 30x 0.70284; 1000 Genomes Project 0.71026.
gnomAD v4.1: 313,086 of 397,782 alleles (79%); highest among the groups gnomAD compares: Non-Finnish European, 84%; 125,302 homozygotes.

Submissions (6):

Illumina Laboratory Services, Illumina
Classification: Benign for Beare-Stevenson cutis gyrata syndrome. Last evaluated: 2018-01-13. Review status: criteria provided, single submitter. Criteria: ICSL Variant Classification Criteria 13 December 2019. Collection method: clinical testing. Allele origin: germline.
Comment: This variant was observed in the ICSL laboratory as part of a predisposition screen in an ostensibly healthy population. It had not been previously curated by ICSL or reported in the Human Gene Mutation Database (HGMD: prior to June 1st, 2018), and was therefore a candidate for classification through an automated scoring system. Utilizing variant allele frequency, disease prevalence and penetrance estimates, and inheritance mode, an automated score was calculated to assess if this variant is too frequent to cause the disease. Based on the score and internal cut-off values, a variant classified as benign is not then subjected to further curation. The score for this variant resulted in a classification of benign for this disease.

Illumina Laboratory Services, Illumina
Classification: Benign for Isolated coronal synostosis. Last evaluated: 2018-01-13. Review status: criteria provided, single submitter. Criteria: ICSL Variant Classification Criteria 13 December 2019. Collection method: clinical testing. Allele origin: germline.
Comment: the same text as in the submission from Illumina Laboratory Services, Illumina above.

Illumina Laboratory Services, Illumina
Classification: Benign for Craniosynostosis. Last evaluated: 2018-01-13. Review status: criteria provided, single submitter. Criteria: ICSL Variant Classification Criteria 13 December 2019. Collection method: clinical testing. Allele origin: germline.
Comment: the same text as in the submission from Illumina Laboratory Services, Illumina above.

Illumina Laboratory Services, Illumina
Classification: Benign for Crouzon syndrome. Last evaluated: 2018-01-13. Review status: criteria provided, single submitter. Criteria: ICSL Variant Classification Criteria 13 December 2019. Collection method: clinical testing. Allele origin: germline.
Comment: the same text as in the submission from Illumina Laboratory Services, Illumina above.

Illumina Laboratory Services, Illumina
Classification: Benign for Saethre-Chotzen syndrome. Last evaluated: 2018-01-13. Review status: criteria provided, single submitter. Criteria: ICSL Variant Classification Criteria 13 December 2019. Collection method: clinical testing. Allele origin: germline.
Comment: the same text as in the submission from Illumina Laboratory Services, Illumina above.

Breakthrough Genomics
Classification: Benign. Review status: criteria provided, single submitter. Criteria: ACMG Guidelines, 2015. Collection method: not provided. Allele origin: germline. Inheritance: Autosomal dominant inheritance. Affected: yes.

NM_000141.5(FGFR2):c.-236G>A

Gene: FGFR2 (fibroblast growth factor receptor 2; minus strand). Cytogenetic location: 10q26.13.
Variant type: single nucleotide variant.
Coding change: c.-236G>A on transcript NM_000141.5 (MANE Select); 236 bases upstream of the start codon, G replaced by A.
Molecular consequence: 5 prime UTR variant. On other transcripts: non-coding transcript variant (1).
Genome position (GRCh38, 1-based): chr10:121,598,047, C>T on the plus strand (G>A on the coding strand, the complement: FGFR2 is on the minus strand). VCF-style: chr10-121598047-C-T. GRCh37 (hg19) VCF-style: chr10-123357561-C-T.
Other names: c.-236G>A (NM_001144917.2, NM_001144918.2, NM_001144919.2 and 3 more transcripts).
Identifiers: ClinVar variation 299019 (VCV000299019.6), dbSNP rs1047111, ClinGen allele CA10634812.
Genomic context (GRCh38, chr10:121,598,047, plus strand): 5'-CCTGTGTTGTCCCCGCGCCCCGCGTGGGTCGGGATGGAGAAAGCGACGAGCCCGGGGTTG[C>T]GGGGAGCAACTCCAAACGCAGAAGAGTGGTCCTTGGGTCTTCGCCGGCGCCAAGCCTCCC-3'